The following is an entry in ClinVar:

NM_014687.4(RUBCN):c.2581G>C (p.Gly861Arg)

Gene: RUBCN (rubicon autophagy regulator; minus strand). Cytogenetic location: 3q29.
Variant type: single nucleotide variant.
Coding change: c.2581G>C on transcript NM_014687.4 (MANE Select); coding-DNA position 2581, G replaced by C.
Protein change: p.Gly861Arg; replaces glycine 861 with arginine.
Molecular consequence: missense variant.
Genome position (GRCh38, 1-based): chr3:197,676,950, C>G on the plus strand (G>C on the coding strand, the complement: RUBCN is on the minus strand). VCF-style: chr3-197676950-C-G. GRCh37 (hg19) VCF-style: chr3-197403821-C-G.
Other names: c.2446G>C, p.Gly816Arg (NM_001145642.5); c.2698G>C, p.Gly900Arg (NM_001346873.2); short protein forms G861R, G900R, G816R.
Identifiers: ClinVar variation 3157131 (VCV003157131.11), dbSNP rs746452866, ClinGen allele CA2786520.

ClinVar aggregate classification (germline): Uncertain significance. Review status: criteria provided, multiple submitters, no conflicts (2 of 4 stars). 2 submissions from 2 submitters: Uncertain significance (2). Last evaluated 2025-05-01.

Allele frequency attached by ClinVar (database versions not stated): ExAC 0.00001; gnomAD 0.00001; TOPMed 0.00002.
gnomAD v4.1: 14 of 1,614,126 alleles (0.00087%); highest among the groups gnomAD compares: Admixed American, 0.005%; no homozygotes.

Submissions (2):

CeGaT Center for Human Genetics Tuebingen
Classification: Uncertain significance. Last evaluated: 2025-05-01. Review status: criteria provided, single submitter. Criteria: CeGaT Center For Human Genetics Tuebingen Variant Classification Criteria Version 2. Collection method: clinical testing. Allele origin: germline. Affected: yes. Observed: 1 variant allele.
Comment: RUBCN: PM2, PP3

Ambry Genetics
Classification: Uncertain significance. Last evaluated: 2024-02-13. Review status: criteria provided, single submitter. Criteria: Ambry Variant Classification Scheme 2023. Collection method: clinical testing. Allele origin: germline.